The following is an entry in ClinVar:

ClinVar aggregate classification (germline): Likely pathogenic. Review status: criteria provided, multiple submitters, no conflicts (2 of 4 stars). 3 submissions from 3 submitters: Likely pathogenic (2). 1 of the submissions does not count toward it. Last evaluated 2025-09-10.

Conditions:
Alport syndrome 3b, autosomal recessive. Identifiers: MedGen C5882699, MONDO:0957811, OMIM 620536.
Alport syndrome. Also called: Hemorrhagic familial nephritis; Hemorrhagic hereditary nephritis; Congenital hereditary hematuria. Identifiers: Orphanet 63, MedGen C1567741, MONDO:0018965.

Allele frequency attached by ClinVar (database versions not stated): gnomAD exomes below 0.00001; ExAC 0.00001.
gnomAD v4.1: 4 of 1,614,176 alleles (0.00025%); highest among the groups gnomAD compares: Non-Finnish European, 0.00034%; no homozygotes.

Submissions (3):

Genomic Medicine Center of Excellence, King Faisal Specialist Hospital and Research Centre
Classification: Likely pathogenic for Alport syndrome 3b, autosomal recessive. Last evaluated: 2025-09-10. Review status: criteria provided, single submitter. Criteria: ACMG Guidelines, 2015. Collection method: clinical testing. Allele origin: germline.

Natera, Inc.
Classification: Likely pathogenic for Alport syndrome. Last evaluated: 2024-10-11. Review status: criteria provided, single submitter. Criteria: Natera Variant Classification Schema (03/2026). Collection method: clinical testing. Allele origin: germline.
Comment: The c.4010G>A variant in COL4A3 is a missense variant predicted to cause substitution of glycine to glutamic acid at amino acid 1337. This variant is rare in the general population with a frequency below the threshold expected for the associated phenotype(s). This variant has been observed in affected individual(s) with monoallelic occurrence (heterozygous/hemizygous) (PMID: 30586318). This variant is located in a functionally critical region of the protein. Computational prediction algorithms indicate this variant is likely to affect gene or protein function. Given the available evidence, this variant is classified as Likely Pathogenic.

Gharavi Laboratory, Columbia University
Classification: Likely pathogenic. Last evaluated: 2018-09-16. Review status: no assertion criteria provided. Criteria: ACMG Guidelines, 2015. Collection method: research. Allele origin: germline. Affected: yes. Not counted in ClinVar's aggregate classification.

Literature cited by the submitters: PubMed 30586318 (cited by Natera, Inc.).

NM_000091.5(COL4A3):c.4010G>A (p.Gly1337Glu)

Genes: COL4A3 (collagen type IV alpha 3 chain; plus strand), MFF-DT (MFF divergent transcript; minus strand). Cytogenetic location: 2q36.3.
Variant type: single nucleotide variant.
Coding change: c.4010G>A on transcript NM_000091.5 (MANE Select); coding-DNA position 4010, G replaced by A.
Protein change: p.Gly1337Glu; replaces glycine 1337 with glutamic acid.
Molecular consequence: missense variant.
Genome position (GRCh38, 1-based): chr2:227,303,913, G>A. VCF-style: chr2-227303913-G-A. GRCh37 (hg19) VCF-style: chr2-228168629-G-A.
Other names: c.4010G>A (NM_000091.4); short protein forms G1337E.
Identifiers: ClinVar variation 562250 (VCV000562250.3), dbSNP rs779855573, ClinGen allele CA2147422.